The following is an entry in ClinVar:

ClinVar aggregate classification (germline): Uncertain significance (1 of 4 stars; one submission).

Conditions:
Charcot-Marie-Tooth disease type 2. Also called: Charcot-Marie-Tooth type 2. Identifiers: Orphanet 64746, MedGen C0270914, MONDO:0018993.

Allele frequency attached by ClinVar (database versions not stated): TOPMed below 0.00001; gnomAD exomes below 0.00001 and 0.00001; gnomAD 0.00001.
gnomAD v4.1: 6 of 1,613,986 alleles (0.00037%); highest among the groups gnomAD compares: South Asian, 0.0022%; no homozygotes.

Submission:

Labcorp Genetics (formerly Invitae), Labcorp
Classification: Uncertain significance for Charcot-Marie-Tooth disease type 2. Last evaluated: 2019-08-06. Review status: criteria provided, single submitter. Criteria: Invitae Variant Classification Sherloc (09022015). Collection method: clinical testing. Allele origin: germline.
Comment: In summary, the available evidence is currently insufficient to determine the role of this variant in disease. Therefore, it has been classified as a Variant of Uncertain Significance. Algorithms developed to predict the effect of sequence changes on RNA splicing suggest that this variant may create or strengthen a splice site, but this prediction has not been confirmed by published transcriptional studies. Algorithms developed to predict the effect of missense changes on protein structure and function (SIFT, PolyPhen-2, Align-GVGD) all suggest that this variant is likely to be tolerated, but these predictions have not been confirmed by published functional studies and their clinical significance is uncertain. This variant has not been reported in the literature in individuals with MED25-related conditions. This variant is not present in population databases (ExAC no frequency). This sequence change replaces alanine with valine at codon 504 of the MED25 protein (p.Ala504Val). The alanine residue is moderately conserved and there is a small physicochemical difference between alanine and valine.

NM_030973.4(MED25):c.1511C>T (p.Ala504Val)

Gene: MED25 (mediator complex subunit 25; plus strand). Cytogenetic location: 19q13.33.
Variant type: single nucleotide variant.
Coding change: c.1511C>T on transcript NM_030973.4 (MANE Select); coding-DNA position 1511, C replaced by T.
Protein change: p.Ala504Val; replaces alanine 504 with valine.
Molecular consequence: missense variant.
Genome position (GRCh38, 1-based): chr19:49,835,014, C>T. VCF-style: chr19-49835014-C-T. GRCh37 (hg19) VCF-style: chr19-50338271-C-T.
Other names: c.1511C>T, p.Ala504Val (NM_001378355.1); short protein forms A504V.
Identifiers: ClinVar variation 964417 (VCV000964417.9), dbSNP rs1479368676, ClinGen allele CA406917876.